The following is an entry in ClinVar:

NM_002485.5(NBN):c.1675dup (p.Glu559fs)

Gene: NBN (nibrin; minus strand). Cytogenetic location: 8q21.3.
Variant type: Duplication.
Coding change: c.1675dup on transcript NM_002485.5 (MANE Select); coding-DNA position 1675, one base duplicated (G; older notation c.1675dupG).
Protein change: p.Glu559fs; shifts the reading frame from glutamic acid 559.
Molecular consequence: frameshift variant.
Genome position (GRCh38, 1-based): chr8:89,953,414, C duplicated on the plus strand (G on the coding strand, the reverse complement: NBN is on the minus strand). VCF-style (leftmost placement, unchanged base first): chr8-89953413-T-TC. GRCh37 (hg19) VCF-style: chr8-90965641-T-TC.
Other names: c.1429dup, p.Glu477fs (NM_001024688.3); c.1675dupG (NM_002485.4); short protein forms E477fs, E559fs.
Identifiers: ClinVar variation 577083 (VCV000577083.6), dbSNP rs1563525678, ClinGen allele CA891842840.

ClinVar aggregate classification (germline): Pathogenic (1 of 4 stars; one submission).

Conditions:
Microcephaly, normal intelligence and immunodeficiency (NBS). Also called: BERLIN BREAKAGE SYNDROME; SEEMANOVA SYNDROME II; Ataxia telangiectasia variant V1; IMMUNODEFICIENCY, MICROCEPHALY, AND CHROMOSOMAL INSTABILITY; Immunodeficiency, microcephaly with normal intelligence; Nijmegen breakage syndrome. Identifiers: Orphanet 647, MedGen C0398791, MONDO:0009623, OMIM 251260.

Submission:

Labcorp Genetics (formerly Invitae), Labcorp
Classification: Pathogenic for Microcephaly, normal intelligence and immunodeficiency. Last evaluated: 2021-12-07. Review status: criteria provided, single submitter. Criteria: Invitae Variant Classification Sherloc (09022015). Collection method: clinical testing. Allele origin: germline.
Comment: This sequence change creates a premature translational stop signal (p.Glu559Glyfs*3) in the NBN gene. It is expected to result in an absent or disrupted protein product. Loss-of-function variants in NBN are known to be pathogenic (PMID: 9590180, 16415040). This variant is not present in population databases (gnomAD no frequency). This variant has not been reported in the literature in individuals affected with NBN-related conditions. ClinVar contains an entry for this variant (Variation ID: 577083). Algorithms developed to predict the effect of sequence changes on RNA splicing suggest that this variant may create or strengthen a splice site. For these reasons, this variant has been classified as Pathogenic.

Literature cited by the submitters: PubMed 9590180; PubMed 16415040.